The following is an entry in ClinVar:

ClinVar aggregate classification (germline): Uncertain significance. Review status: criteria provided, multiple submitters, no conflicts (2 of 4 stars). 2 submissions from 2 submitters: Uncertain significance (2). Last evaluated 2025-01-27.

Allele frequency attached by ClinVar (database versions not stated): TOPMed 0.00005; 1000 Genomes Project 30x 0.00016; 1000 Genomes Project 0.00020; ESP Exome Variant Server 0.00008.
gnomAD v4.1: 31 of 1,579,952 alleles (0.002%); highest among the groups gnomAD compares: East Asian, 0.039%; no homozygotes.

Submissions (2):

GeneDx
Classification: Uncertain significance. Last evaluated: 2025-01-27. Review status: criteria provided, single submitter. Criteria: GeneDx Variant Classification Process June 2021. Collection method: clinical testing. Allele origin: germline. Affected: yes.
Comment: In silico analysis indicates that this missense variant does not alter protein structure/function; Reported without a second variant in an individual who harbored a diagnostic MITF variant in published literature (PMID: 36504663); This variant is associated with the following publications: (PMID: 36504663)

Labcorp Genetics (formerly Invitae), Labcorp
Classification: Uncertain significance. Last evaluated: 2022-07-06. Review status: criteria provided, single submitter. Criteria: Invitae Variant Classification Sherloc (09022015). Collection method: clinical testing. Allele origin: germline.
Comment: This sequence change replaces isoleucine, which is neutral and non-polar, with valine, which is neutral and non-polar, at codon 1218 of the TRIOBP protein (p.Ile1218Val). This variant is present in population databases (rs374934894, gnomAD 0.05%). This variant has not been reported in the literature in individuals affected with TRIOBP-related conditions. ClinVar contains an entry for this variant (Variation ID: 451002). Algorithms developed to predict the effect of missense changes on protein structure and function are either unavailable or do not agree on the potential impact of this missense change (SIFT: "Deleterious"; PolyPhen-2: "Probably Damaging"; Align-GVGD: "Class C0"). In summary, the available evidence is currently insufficient to determine the role of this variant in disease. Therefore, it has been classified as a Variant of Uncertain Significance.

NM_001039141.3(TRIOBP):c.3652A>G (p.Ile1218Val)

Gene: TRIOBP (TRIO and F-actin binding protein; plus strand). Cytogenetic location: 22q13.1.
Variant type: single nucleotide variant.
Coding change: c.3652A>G on transcript NM_001039141.3 (MANE Select); coding-DNA position 3652, A replaced by G.
Protein change: p.Ile1218Val; replaces isoleucine 1218 with valine.
Molecular consequence: missense variant.
Genome position (GRCh38, 1-based): chr22:37,726,208, A>G. VCF-style: chr22-37726208-A-G. GRCh37 (hg19) VCF-style: chr22-38122215-A-G.
Other names: short protein forms I1218V.
Identifiers: ClinVar variation 451002 (VCV000451002.8), dbSNP rs374934894, ClinGen allele CA10224170.
Genomic context (GRCh38, chr22:37,726,208, plus strand): 5'-AGCCTGGCCCCCTCCACTGACTCTCTGCATGGCTCCCCAGTGCTGATCCCCCAAGTGTGC[A>G]TCGGGCACCGGGATGCACCCCGAGCCTCCTCCCCACCCCGCCACCCACCCAGTGACCTAG-3'
Protein context (NP_001034230.1, residues 1208-1228): GSPVLIPQVC[Ile1218Val]GHRDAPRASS